The following is an entry in ClinVar:

NM_002294.3(LAMP2):c.367A>T (p.Asn123Tyr)

Gene: LAMP2 (lysosome associated membrane protein 2; minus strand). Cytogenetic location: Xq24.
Variant type: single nucleotide variant.
Coding change: c.367A>T on transcript NM_002294.3 (MANE Select); coding-DNA position 367, A replaced by T.
Protein change: p.Asn123Tyr; replaces asparagine 123 with tyrosine.
Molecular consequence: missense variant.
Genome position (GRCh38, 1-based): chrX:120,455,387, T>A on the plus strand (A>T on the coding strand, the complement: LAMP2 is on the minus strand). VCF-style: chrX-120455387-T-A. GRCh37 (hg19) VCF-style: chrX-119589242-T-A.
Other names: c.367A>T, p.Asn123Tyr (NM_001122606.1, NM_013995.2); short protein forms N123Y.
Identifiers: ClinVar variation 3730316 (VCV003730316.2).

ClinVar aggregate classification (germline): Uncertain significance (1 of 4 stars; one submission).

Conditions:
Danon disease. Also called: Glycogen Storage Disease Type IIb; ANTOPOL DISEASE; PSEUDOGLYCOGENOSIS II; GSD IIb; LYSOSOMAL GLYCOGEN STORAGE DISEASE WITHOUT ACID MALTASE DEFICIENCY. Identifiers: Orphanet 34587, MedGen C0878677, MONDO:0010281, OMIM 300257.

Submission:

Labcorp Genetics (formerly Invitae), Labcorp
Classification: Uncertain significance for Danon disease. Last evaluated: 2024-07-08. Review status: criteria provided, single submitter. Criteria: Invitae Variant Classification Sherloc (09022015). Collection method: clinical testing. Allele origin: germline.
Comment: This sequence change replaces asparagine, which is neutral and polar, with tyrosine, which is neutral and polar, at codon 123 of the LAMP2 protein (p.Asn123Tyr). This variant is not present in population databases (gnomAD no frequency). This variant has not been reported in the literature in individuals affected with LAMP2-related conditions. Advanced modeling of protein sequence and biophysical properties (such as structural, functional, and spatial information, amino acid conservation, physicochemical variation, residue mobility, and thermodynamic stability) performed at Invitae indicates that this missense variant is expected to disrupt LAMP2 protein function with a positive predictive value of 80%. In summary, the available evidence is currently insufficient to determine the role of this variant in disease. Therefore, it has been classified as a Variant of Uncertain Significance.